The following is an entry in ClinVar:

NM_053025.4(MYLK):c.5339C>A (p.Pro1780Gln)

Genes: MYLK-AS1 (MYLK antisense RNA 1; plus strand), MYLK (myosin light chain kinase; minus strand). Cytogenetic location: 3q21.1.
Variant type: single nucleotide variant.
Coding change: c.5339C>A on transcript NM_053025.4 (MANE Select); coding-DNA position 5339, C replaced by A.
Protein change: p.Pro1780Gln; replaces proline 1780 with glutamine.
Molecular consequence: missense variant.
Genome position (GRCh38, 1-based): chr3:123,620,236, G>T on the plus strand (C>A on the coding strand, the complement: MYLK is on the minus strand). VCF-style: chr3-123620236-G-T. GRCh37 (hg19) VCF-style: chr3-123339083-G-T.
Other names: c.4811C>A, p.Pro1604Gln (NM_001321309.2); c.5132C>A, p.Pro1711Gln (NM_053026.4); c.5186C>A, p.Pro1729Gln (NM_053027.4); c.4979C>A, p.Pro1660Gln (NM_053028.4); c.59C>A, p.Pro20Gln (NM_053031.4, NM_053032.4); short protein forms P1604Q, P1660Q, P1711Q, P1729Q, P1780Q, P20Q.
Identifiers: ClinVar variation 3228926 (VCV003228926.2), dbSNP rs200088151, ClinGen allele CA354231412.

ClinVar aggregate classification (germline): Uncertain significance. Review status: criteria provided, multiple submitters, no conflicts (2 of 4 stars). 2 submissions from 2 submitters: Uncertain significance (2). Last evaluated 2026-01-24.

Conditions:
Aortic aneurysm, familial thoracic 7 (AAT7). Also called: AORTIC DISSECTION, FAMILIAL, WITH OR WITHOUT AORTIC ANEURYSM. Identifiers: MedGen C3151077, MONDO:0013418, OMIM 613780.
Familial thoracic aortic aneurysm and aortic dissection (TAAD). Also called: Thoracic aortic aneurysms and dissections. Identifiers: Orphanet 91387, MedGen C4707243, MONDO:0019625.

gnomAD v4.1: 4 of 1,614,000 alleles (0.00025%); highest among the groups gnomAD compares: African/African-American, 0.0053%; no homozygotes.

Submissions (2):

Labcorp Genetics (formerly Invitae), Labcorp
Classification: Uncertain significance for Aortic aneurysm, familial thoracic 7. Last evaluated: 2026-01-24. Review status: criteria provided, single submitter. Criteria: Invitae Variant Classification Sherloc (09022015). Collection method: clinical testing. Allele origin: germline.
Comment: This sequence change replaces proline, which is neutral and non-polar, with glutamine, which is neutral and polar, at codon 1780 of the MYLK protein (p.Pro1780Gln). This variant is present in population databases (no rsID available, gnomAD 0.01%). This variant has not been reported in the literature in individuals affected with MYLK-related conditions. ClinVar contains an entry for this variant (Variation ID: 3228926). Invitae Evidence Modeling of protein sequence and biophysical properties (such as structural, functional, and spatial information, amino acid conservation, physicochemical variation, residue mobility, and thermodynamic stability) indicates that this missense variant is not expected to disrupt MYLK protein function with a negative predictive value of 80%. In summary, the available evidence is currently insufficient to determine the role of this variant in disease. Therefore, it has been classified as a Variant of Uncertain Significance.

Ambry Genetics
Classification: Uncertain significance for Familial thoracic aortic aneurysm and aortic dissection. Last evaluated: 2023-12-29. Review status: criteria provided, single submitter. Criteria: Ambry Variant Classification Scheme 2023. Collection method: clinical testing. Allele origin: germline.
Comment: The p.P1780Q variant (also known as c.5339C>A), located in coding exon 29 of the MYLK gene, results from a C to A substitution at nucleotide position 5339. The proline at codon 1780 is replaced by glutamine, an amino acid with similar properties. This amino acid position is conserved. In addition, the in silico prediction for this alteration is inconclusive. Since supporting evidence is limited at this time, the clinical significance of this alteration remains unclear.